The following is an entry in ClinVar:

ClinVar aggregate classification (germline): Conflicting classifications of pathogenicity. Review status: criteria provided, conflicting classifications (1 of 4 stars). 4 submissions from 4 submitters: Uncertain significance (1); Benign (1); Likely benign (2). Last evaluated 2026-06-01.

Conditions:
Van der Woude syndrome 2 (VWS2). Identifiers: Orphanet 888, MedGen C1847604, MONDO:0011712, OMIM 606713.

Allele frequency attached by ClinVar (database versions not stated): gnomAD 0.00071; TOPMed 0.00071; gnomAD exomes 0.00109; ExAC 0.00067.
gnomAD v4.1: 1,610 of 1,548,618 alleles (0.1%); highest among the groups gnomAD compares: Non-Finnish European, 0.13%; 1 homozygote.

Submissions (4):

CeGaT Center for Human Genetics Tuebingen
Classification: Likely benign. Last evaluated: 2026-06-01. Review status: criteria provided, single submitter. Criteria: CeGaT Center For Human Genetics Tuebingen Variant Classification Criteria Version 2. Collection method: clinical testing. Allele origin: germline. Affected: yes. Observed: 3 variant alleles.
Comment: GRHL3: BP4, BP7

Labcorp Genetics (formerly Invitae), Labcorp
Classification: Benign for Van der Woude syndrome 2. Last evaluated: 2025-06-11. Review status: criteria provided, single submitter. Criteria: Invitae Variant Classification Sherloc (09022015). Collection method: clinical testing. Allele origin: germline.

Blueprint Genetics
Classification: Likely benign. Last evaluated: 2024-11-22. Review status: criteria provided, single submitter. Criteria: ACMG Guidelines, 2015. Collection method: clinical testing. Allele origin: germline.

GeneDx
Classification: Uncertain significance. Last evaluated: 2024-07-22. Review status: criteria provided, single submitter. Criteria: GeneDx Variant Classification Process June 2021. Collection method: clinical testing. Allele origin: germline. Affected: yes.
Comment: In silico analysis indicates that this variant does not alter splicing; Has not been previously published as pathogenic or benign to our knowledge

NM_198174.3(GRHL3):c.1767G>A (p.Val589=)

Genes: GRHL3 (grainyhead like transcription factor 3; plus strand), STPG1 (sperm tail PG-rich repeat containing 1; minus strand). Cytogenetic location: 1p36.11.
Variant type: single nucleotide variant.
Coding change: c.1767G>A on transcript NM_198174.3; coding-DNA position 1767, G replaced by A.
Protein change: p.Val589=; no amino-acid change (valine 589 retained).
Molecular consequence: synonymous variant. On other transcripts: intron variant (4).
Genome position (GRCh38, 1-based): chr1:24,364,257, G>A. VCF-style: chr1-24364257-G-A. GRCh37 (hg19) VCF-style: chr1-24690747-G-A.
Other names: c.738-3216C>T (NM_001199012.2, NM_001199013.2); c.597-3216C>T (NM_178122.5); c.462-3216C>T (NM_001199014.2).
Identifiers: ClinVar variation 3025145 (VCV003025145.23), dbSNP rs200103413, ClinGen allele CA690546.
Genomic context (GRCh38, chr1:24,364,257, plus strand): 5'-CCTCCACCCACGCCTGTCTCGCCACCCCCCACCTGACTGTCTTGAATGTTCCCATCCTGT[G>A]ACTCAAGTGAGGAACATGGGTTTTGGAGATGGATTTTGGAGGCAGAGGGACCTGGATTCA-3'